The following is an entry in ClinVar:

NM_000075.4(CDK4):c.676A>C (p.Ile226Leu)

Genes: CDK4 (cyclin dependent kinase 4; minus strand), TSPAN31 (tetraspanin 31; plus strand). Cytogenetic location: 12q14.1.
Variant type: single nucleotide variant.
Coding change: c.676A>C on transcript NM_000075.4 (MANE Select); coding-DNA position 676, A replaced by C.
Protein change: p.Ile226Leu; replaces isoleucine 226 with leucine.
Molecular consequence: missense variant. On other transcripts: 3 prime UTR variant (3).
Genome position (GRCh38, 1-based): chr12:57,749,461, T>G on the plus strand (A>C on the coding strand, the complement: CDK4 is on the minus strand). VCF-style: chr12-57749461-T-G. GRCh37 (hg19) VCF-style: chr12-58143244-T-G.
Other names: c.*2171T>G (NM_001330168.2, NM_001330169.2, NM_005981.5); short protein forms I226L.
Identifiers: ClinVar variation 2452474 (VCV002452474.2), dbSNP rs2140383814, ClinGen allele CA385543922.

ClinVar aggregate classification (germline): Uncertain significance (1 of 4 stars; one submission).

Conditions:
Hereditary cancer-predisposing syndrome. Also called: Neoplastic Syndromes, Hereditary; Tumor predisposition; Hereditary neoplastic syndrome; Hereditary Cancer Syndrome. Identifiers: Orphanet 140162, MedGen C0027672, MeSH D009386, MONDO:0015356.

Submission:

Ambry Genetics
Classification: Uncertain significance for Hereditary cancer-predisposing syndrome. Last evaluated: 2023-02-14. Review status: criteria provided, single submitter. Criteria: Ambry Variant Classification Scheme 2023. Collection method: clinical testing. Allele origin: germline.
Comment: The p.I226L variant (also known as c.676A>C), located in coding exon 5 of the CDK4 gene, results from an A to C substitution at nucleotide position 676. The isoleucine at codon 226 is replaced by leucine, an amino acid with highly similar properties. This amino acid position is highly conserved in available vertebrate species. In addition, this alteration is predicted to be tolerated by in silico analysis. Since supporting evidence is limited at this time, the clinical significance of this alteration remains unclear.